The following is an entry in ClinVar:

NM_004281.4(BAG3):c.645C>G (p.Asn215Lys)

Gene: BAG3 (BAG cochaperone 3; plus strand). Cytogenetic location: 10q26.11.
Variant type: single nucleotide variant.
Coding change: c.645C>G on transcript NM_004281.4 (MANE Select); coding-DNA position 645, C replaced by G.
Protein change: p.Asn215Lys; replaces asparagine 215 with lysine.
Molecular consequence: missense variant.
Genome position (GRCh38, 1-based): chr10:119,672,392, C>G. VCF-style: chr10-119672392-C-G. GRCh37 (hg19) VCF-style: chr10-121431904-C-G.
Other names: short protein forms N215K.
Identifiers: ClinVar variation 3750385 (VCV003750385.2).
Genomic context (GRCh38, chr10:119,672,392, plus strand): 5'-CCTGGGCAGTCACCAGCTCCCGCGGGGGTACATCTCCATTCCGGTGATACACGAGCAGAA[C>G]GTTACCCGGCCAGCAGCCCAGCCCTCCTTCCACCAAGCCCAGAAGACGCACTACCCAGCG-3'
Protein context (NP_004272.2, residues 205-225): YISIPVIHEQ[Asn215Lys]VTRPAAQPSF

ClinVar aggregate classification (germline): Uncertain significance (1 of 4 stars; one submission).

Conditions:
Myofibrillar myopathy 6. Identifiers: Orphanet 199340, MedGen C2751831, MONDO:0013061, OMIM 612954.
Dilated cardiomyopathy 1HH (CMD1HH). Identifiers: Orphanet 154, MedGen C3151293, MONDO:0013479, OMIM 613881.

gnomAD v4.1: 1 of 1,614,036 alleles (0.000062%); highest among the groups gnomAD compares: African/African-American, 0.0013%; no homozygotes.

Submission:

Labcorp Genetics (formerly Invitae), Labcorp
Classification: Uncertain significance for Dilated cardiomyopathy 1HH; Myofibrillar myopathy 6. Last evaluated: 2024-07-16. Review status: criteria provided, single submitter. Criteria: Invitae Variant Classification Sherloc (09022015). Collection method: clinical testing. Allele origin: germline.
Comment: This sequence change replaces asparagine, which is neutral and polar, with lysine, which is basic and polar, at codon 215 of the BAG3 protein (p.Asn215Lys). This variant is not present in population databases (gnomAD no frequency). This missense change has been observed in individual(s) with developmental disorders (PMID: 31785789, 33057194). Advanced modeling of protein sequence and biophysical properties (such as structural, functional, and spatial information, amino acid conservation, physicochemical variation, residue mobility, and thermodynamic stability) performed at Invitae indicates that this missense variant is not expected to disrupt BAG3 protein function with a negative predictive value of 80%. In summary, the available evidence is currently insufficient to determine the role of this variant in disease. Therefore, it has been classified as a Variant of Uncertain Significance.

Literature cited by the submitters: PubMed 31785789; PubMed 33057194.